The following is an entry in ClinVar:

ClinVar aggregate classification (germline): Uncertain significance (1 of 4 stars; one submission).

Conditions:
Inborn genetic diseases. Identifiers: MedGen C0950123, MeSH D030342.

Submission:

Ambry Genetics
Classification: Uncertain significance for Inborn genetic diseases. Last evaluated: 2024-07-11. Review status: criteria provided, single submitter. Criteria: Ambry Variant Classification Scheme 2023. Collection method: clinical testing. Allele origin: germline.
Comment: The p.P181L variant (also known as c.542C>T), located in coding exon 6 of the SGCD gene, results from a C to T substitution at nucleotide position 542. The proline at codon 181 is replaced by leucine, an amino acid with similar properties. This amino acid position is conserved. In addition, this alteration is predicted to be deleterious by in silico analysis. Based on the available evidence, the clinical significance of this variant remains unclear.

NM_000337.6(SGCD):c.542C>T (p.Pro181Leu)

Gene: SGCD (sarcoglycan delta; plus strand). Cytogenetic location: 5q33.3.
Variant type: single nucleotide variant.
Coding change: c.542C>T on transcript NM_000337.6 (MANE Select); coding-DNA position 542, C replaced by T.
Protein change: p.Pro181Leu; replaces proline 181 with leucine.
Molecular consequence: missense variant.
Genome position (GRCh38, 1-based): chr5:156,647,503, C>T. VCF-style: chr5-156647503-C-T. GRCh37 (hg19) VCF-style: chr5-156074513-C-T.
Other names: c.539C>T, p.Pro180Leu (NM_001128209.2); c.542C>T, p.Pro181Leu (NM_172244.3); short protein forms P180L, P181L.
Identifiers: ClinVar variation 3440545 (VCV003440545.1).
Genomic context (GRCh38, chr5:156,647,503, plus strand): 5'-GCTTTTCTGTTTTGTTTACAGGAGCGGAGGGCACAGTGTTCCCTAAATCTATAGAAACAC[C>T]TAATGTCAGGGCAGACCCCTTCAAAGAACTAAGGTAAACTTCTGACTTTGGTTTGCATTG-3'
Protein context (NP_000328.2, residues 171-191): GTVFPKSIET[Pro181Leu]NVRADPFKEL